The following is an entry in ClinVar:

NM_001242882.2(NAXD):c.840-18C>G

Gene: NAXD (NAD(P)HX dehydratase; plus strand). Cytogenetic location: 13q34.
Variant type: single nucleotide variant.
Coding change: c.840-18C>G on transcript NM_001242882.2 (MANE Select); 18 bases into the intron before coding-DNA position 840, C replaced by G.
Molecular consequence: intron variant. On other transcripts: missense variant (1).
Genome position (GRCh38, 1-based): chr13:110,638,360, C>G. VCF-style: chr13-110638360-C-G. GRCh37 (hg19) VCF-style: chr13-111290707-C-G.
Other names: c.1012C>G, p.Leu338Val (NM_018210.4); c.564-18C>G (NM_001242883.2); c.894-18C>G (NM_001242881.2); short protein forms L338V.
Identifiers: ClinVar variation 1713617 (VCV001713617.5), dbSNP rs768408069, ClinGen allele CA7051432.

ClinVar aggregate classification (germline): Uncertain significance (1 of 4 stars; one submission).

Allele frequency attached by ClinVar (database versions not stated): ExAC 0.00001; gnomAD exomes below 0.00001.
gnomAD v4.1: 1 of 1,613,916 alleles (0.000062%); highest among the groups gnomAD compares: South Asian, 0.0011%; no homozygotes.

Submission:

Labcorp Genetics (formerly Invitae), Labcorp
Classification: Uncertain significance. Last evaluated: 2025-11-03. Review status: criteria provided, single submitter. Criteria: Invitae Variant Classification Sherloc (09022015). Collection method: clinical testing. Allele origin: germline.
Comment: This sequence change replaces leucine, which is neutral and non-polar, with valine, which is neutral and non-polar, at codon 338 of the NAXD protein (p.Leu338Val). This variant is present in population databases (rs768408069, gnomAD 0.003%). This variant has not been reported in the literature in individuals affected with NAXD-related conditions. ClinVar contains an entry for this variant (Variation ID: 1713617). An algorithm developed to predict the effect of missense changes on protein structure and function (PolyPhen-2) suggests that this variant is likely to be tolerated. In summary, the available evidence is currently insufficient to determine the role of this variant in disease. Therefore, it has been classified as a Variant of Uncertain Significance.